The following is an entry in ClinVar:

ClinVar aggregate classification (germline): Benign. Review status: criteria provided, multiple submitters, no conflicts (2 of 4 stars). 4 submissions from 4 submitters: Benign (3). 1 of the submissions does not count toward it. Last evaluated 2026-02-03.

Conditions:
A4GALT-related disorder. Also called: A4GALT-related condition.

Allele frequency attached by ClinVar (database versions not stated): 1000 Genomes Project 30x 0.69738; ESP Exome Variant Server 0.65326; TOPMed 0.65865; 1000 Genomes Project 0.69529.
gnomAD v4.1: 955,707 of 1,613,258 alleles (59%); highest among the groups gnomAD compares: African/African-American, 83%; 286,528 homozygotes.

Submissions (4):

Labcorp Genetics (formerly Invitae), Labcorp
Classification: Benign. Last evaluated: 2026-02-03. Review status: criteria provided, single submitter. Criteria: Invitae Variant Classification Sherloc (09022015). Collection method: clinical testing. Allele origin: germline.

GeneDx
Classification: Benign. Last evaluated: 2020-02-17. Review status: criteria provided, single submitter. Criteria: GeneDx Variant Classification Process June 2021. Collection method: clinical testing. Allele origin: germline. Affected: yes.
Comment: This variant is associated with the following publications: (PMID: 31374005)

Breakthrough Genomics
Classification: Benign. Review status: criteria provided, single submitter. Criteria: ACMG Guidelines, 2015. Collection method: not provided. Allele origin: germline. Inheritance: Unknown mechanism. Affected: yes.

PreventionGenetics, part of Exact Sciences
Classification: Benign for A4GALT-related condition. Last evaluated: 2021-03-17. Review status: no assertion criteria provided. Collection method: clinical testing. Allele origin: germline. Not counted in ClinVar's aggregate classification.
Comment: This variant is classified as benign based on ACMG/AMP sequence variant interpretation guidelines (Richards et al. 2015 PMID: 25741868, with internal and published modifications).

NM_017436.7(A4GALT):c.903C>G (p.Pro301=)

Gene: A4GALT (alpha 1,4-galactosyltransferase (P1PK blood group); minus strand). Cytogenetic location: 22q13.2.
Variant type: single nucleotide variant.
Coding change: c.903C>G on transcript NM_017436.7 (MANE Select); coding-DNA position 903, C replaced by G.
Protein change: p.Pro301=; no amino-acid change (proline 301 retained).
Molecular consequence: synonymous variant.
Genome position (GRCh38, 1-based): chr22:42,693,049, G>C on the plus strand (C>G on the coding strand, the complement: A4GALT is on the minus strand). VCF-style: chr22-42693049-G-C. GRCh37 (hg19) VCF-style: chr22-43089055-G-C.
Other names: c.903C>G (NM_017436.5); c.903C>G, p.Pro301= (NM_001318038.3).
Identifiers: ClinVar variation 1221433 (VCV001221433.14), dbSNP rs6002904, ClinGen allele CA10270189.